The following is an entry in ClinVar:

ClinVar aggregate classification (germline): Uncertain significance. Review status: criteria provided, multiple submitters, no conflicts (2 of 4 stars). 4 submissions from 4 submitters: Uncertain significance (4). Last evaluated 2024-01-09.

Conditions:
Congenital myasthenic syndrome 8. Also called: MYASTHENIC SYNDROME, CONGENITAL, DUE TO AGRIN DEFICIENCY; Myasthenic syndrome, congenital, 8, with pre- and postsynaptic defects. Identifiers: Orphanet 590, MedGen C3808739, MONDO:0014052, OMIM 615120.

Allele frequency attached by ClinVar (database versions not stated): ExAC 0.00002; gnomAD 0.00002; TOPMed 0.00002.
gnomAD v4.1: 18 of 1,612,842 alleles (0.0011%); highest among the groups gnomAD compares: Admixed American, 0.0067%; no homozygotes.

Submissions (4):

GeneDx
Classification: Uncertain significance. Last evaluated: 2024-01-09. Review status: criteria provided, single submitter. Criteria: GeneDx Variant Classification Process June 2021. Collection method: clinical testing. Allele origin: germline. Affected: yes.
Comment: Not observed at significant frequency in large population cohorts (gnomAD); In silico analysis supports that this missense variant does not alter protein structure/function; Has not been previously published as pathogenic or benign to our knowledge

Labcorp Genetics (formerly Invitae), Labcorp
Classification: Uncertain significance for Congenital myasthenic syndrome 8. Last evaluated: 2023-08-17. Review status: criteria provided, single submitter. Criteria: Invitae Variant Classification Sherloc (09022015). Collection method: clinical testing. Allele origin: germline.
Comment: This sequence change replaces valine, which is neutral and non-polar, with isoleucine, which is neutral and non-polar, at codon 837 of the AGRN protein (p.Val837Ile). This variant is present in population databases (rs752913194, gnomAD 0.01%). This variant has not been reported in the literature in individuals affected with AGRN-related conditions. An algorithm developed to predict the effect of missense changes on protein structure and function (PolyPhen-2) suggests that this variant¬†is likely to be tolerated. In summary, the available evidence is currently insufficient to determine the role of this variant in disease. Therefore, it has been classified as a Variant of Uncertain Significance.

Breakthrough Genomics
Classification: Uncertain significance. Review status: criteria provided, single submitter. Criteria: ACMG Guidelines, 2015. Collection method: not provided. Allele origin: germline. Inheritance: Autosomal recessive inheritance. Affected: yes.

Neuberg Centre For Genomic Medicine, NCGM
Classification: Uncertain significance for Congenital myasthenic syndrome 8. Review status: criteria provided, single submitter. Criteria: ACMG Guidelines, 2015. Collection method: clinical testing. Allele origin: germline. Inheritance: Autosomal recessive inheritance. Affected: yes.
Comment: The missense variant c.2509G>A(p.Val837Ile) in the AGRN gene has not been reported previously as a pathogenic variant nor as a benign variant, to our knowledge. This variant is reported with the allele frequency (0.003%) in the gnomAD Exomes and absent in 1000 Genomes. The amino acid Valine at position 837 is changed to a Isoleucine changing protein sequence and it might alter its composition and physico-chemical properties. The variant is predicted as damaging by SIFT. The amino acid change p.Val837Ile in AGRN is predicted as conserved by GERP++ and PhyloP across 100 vertebrates. For these reasons, this variant has been classified as Uncertain Significance.

NM_198576.4(AGRN):c.2509G>A (p.Val837Ile)

Gene: AGRN (agrin; plus strand). Cytogenetic location: 1p36.33.
Variant type: single nucleotide variant.
Coding change: c.2509G>A on transcript NM_198576.4 (MANE Select); coding-DNA position 2509, G replaced by A.
Protein change: p.Val837Ile; replaces valine 837 with isoleucine.
Molecular consequence: missense variant.
Genome position (GRCh38, 1-based): chr1:1,045,496, G>A. VCF-style: chr1-1045496-G-A. GRCh37 (hg19) VCF-style: chr1-980876-G-A.
Other names: c.2509G>A, p.Val837Ile (NM_001305275.2); c.2194G>A, p.Val732Ile (NM_001364727.2); c.2509G>A (NM_198576.3); short protein forms V732I, V837I.
Identifiers: ClinVar variation 2731082 (VCV002731082.4), dbSNP rs752913194, ClinGen allele CA508653.
Genomic context (GRCh38, chr1:1,045,496, plus strand): 5'-GGTGTGGGGGGCCTCAGGTGTGACCGCTGTGAGCCTGGCTTCTGGAACTTTCGAGGCATC[G>A]TCACCGATGGCCGGAGTGGCTGTACACGTGAGTGACAGGGCCCAGGACTGGCCACCGGCT-3'
Protein context (NP_940978.2, residues 827-847): EPGFWNFRGI[Val837Ile]TDGRSGCTPC